The following is an entry in ClinVar:

NM_018263.6(ASXL2):c.943_944delinsCT (p.Gly315Leu)

Gene: ASXL2 (ASXL transcriptional regulator 2; minus strand). Cytogenetic location: 2p23.3.
Variant type: Indel.
Coding change: c.943_944delinsCT on transcript NM_018263.6 (MANE Select); coding-DNA positions 943 to 944, GG replaced by CT.
Protein change: p.Gly315Leu; replaces glycine 315 with leucine.
Molecular consequence: missense variant.
Genome position (GRCh38, 1-based): chr2:25,756,110-25,756,111, CC replaced by AG on the plus strand (GG replaced by CT on the coding strand, the reverse complement: ASXL2 is on the minus strand). VCF-style: chr2-25756110-CC-AG. GRCh37 (hg19) VCF-style: chr2-25978979-CC-AG.
Other names: c.769_770delinsCT, p.Gly257Leu (NM_001369346.1); c.163_164delinsCT, p.Gly55Leu (NM_001369347.1); short protein forms G55L, G257L, G315L.
Identifiers: ClinVar variation 3630899 (VCV003630899.2).

ClinVar aggregate classification (germline): Uncertain significance (1 of 4 stars; one submission).

Submission:

Labcorp Genetics (formerly Invitae), Labcorp
Classification: Uncertain significance. Last evaluated: 2024-03-12. Review status: criteria provided, single submitter. Criteria: Invitae Variant Classification Sherloc (09022015). Collection method: clinical testing. Allele origin: germline.
Comment: This sequence change replaces glycine, which is neutral and non-polar, with leucine, which is neutral and non-polar, at codon 315 of the ASXL2 protein (p.Gly315Leu). Information on the frequency of this variant in the gnomAD database is not available, as this variant may be reported differently in the database. This variant has not been reported in the literature in individuals affected with ASXL2-related conditions. Experimental studies and prediction algorithms are not available or were not evaluated, and the functional significance of this variant is currently unknown. In summary, the available evidence is currently insufficient to determine the role of this variant in disease. Therefore, it has been classified as a Variant of Uncertain Significance.